The following is an entry in ClinVar:

NM_000061.3(BTK):c.371G>A (p.Trp124Ter)

Gene: BTK (Bruton tyrosine kinase; minus strand). Cytogenetic location: Xq22.1.
Variant type: single nucleotide variant.
Coding change: c.371G>A on transcript NM_000061.3 (MANE Select); coding-DNA position 371, G replaced by A.
Protein change: p.Trp124Ter; replaces tryptophan 124 with a stop codon.
Molecular consequence: nonsense.
Genome position (GRCh38, 1-based): chrX:101,370,018, C>T on the plus strand (G>A on the coding strand, the complement: BTK is on the minus strand). VCF-style: chrX-101370018-C-T. GRCh37 (hg19) VCF-style: chrX-100625006-C-T.
Other names: c.473G>A, p.Trp158Ter (NM_001287344.2); c.371G>A, p.Trp124Ter (NM_001287345.2); short protein forms W124*, W158*.
Identifiers: ClinVar variation 492811 (VCV000492811.4), dbSNP rs1555980049, ClinGen allele CA413936992.

ClinVar aggregate classification (germline): Pathogenic/Likely pathogenic. Review status: criteria provided, multiple submitters, no conflicts (2 of 4 stars). 3 submissions from 3 submitters: Pathogenic (1); Likely pathogenic (1). 1 of the submissions does not count toward it. Last evaluated 2022-11-10.

Conditions:
Autosomal recessive agammaglobulinemia 1 (AGM1). Also called: Agammaglobulinemia type 1; AGAMMAGLOBULINEMIA, AUTOSOMAL RECESSIVE, DUE TO IGHM DEFECT. Identifiers: MedGen C3152144, MONDO:0020729, OMIM 601495.
X-linked agammaglobulinemia (XLA). Also called: Bruton-type agammaglobulinemia; IMMUNODEFICIENCY 1; Bruton's agammaglobulinemia; Agammaglobulinemia, Bruton tyrosine kinase; Agammaglobulinemia, BTK; BTK-deficiency. Identifiers: Orphanet 229717, Orphanet 47, MedGen C0221026, MONDO:0010421, OMIM 300755.
X-linked agammaglobulinemia with growth hormone deficiency (IGHD3). Also called: ISOLATED GROWTH HORMONE DEFICIENCY, TYPE III, WITH AGAMMAGLOBULINEMIA; FLEISHER SYNDROME; HYPOGAMMAGLOBULINEMIA AND ISOLATED GROWTH HORMONE DEFICIENCY, X-LINKED; IGHD III; AGAMMAGLOBULINEMIA AND ISOLATED GROWTH HORMONE DEFICIENCY, X-LINKED; Isolated growth hormone deficiency type 3. Identifiers: Orphanet 231692, Orphanet 631, MedGen C0472813, MONDO:0010615, OMIM 307200.

Submissions (3):

Labcorp Genetics (formerly Invitae), Labcorp
Classification: Pathogenic for X-linked agammaglobulinemia with growth hormone deficiency. Last evaluated: 2022-11-10. Review status: criteria provided, single submitter. Criteria: Invitae Variant Classification Sherloc (09022015). Collection method: clinical testing. Allele origin: germline.
Comment: For these reasons, this variant has been classified as Pathogenic. ClinVar contains an entry for this variant (Variation ID: 492811). This variant is also known as 503G>A. This premature translational stop signal has been observed in individual(s) with X-linked agammaglobulinemia (PMID: 8695804). This variant is not present in population databases (gnomAD no frequency). This sequence change creates a premature translational stop signal (p.Trp124*) in the BTK gene. It is expected to result in an absent or disrupted protein product. Loss-of-function variants in BTK are known to be pathogenic (PMID: 15661032, 16862044, 19419768).

Women's Health and Genetics/Laboratory Corporation of America, LabCorp
Classification: Likely pathogenic for X-linked agammaglobulinemia. Last evaluated: 2017-01-24. Review status: criteria provided, single submitter. Criteria: LabCorp Variant Classification Summary - May 2015. Collection method: clinical testing. Allele origin: germline.
Comment: Variant summary: The BTK c.371G>A (p.Trp124X) variant results in a premature termination codon, predicted to cause a truncated or absent BTK protein due to nonsense mediated decay, which are commonly known mechanisms for disease. Truncations downstream of this position have been classified as pathogenic by our laboratory (e.g. c.982C>T, p.Gln328X; c.1455C>A, p.Tyr485X; c.1558C>T, p.Arg520X). One in silico tool predicts a damaging outcome for this variant. This variant is absent in 86517 control chromosomes but has been reported in at least 2 affected individuals in the literature (Wang_2009, Hashimoto_1996). Taken together, this variant is classified as likely pathogenic.

Clinical Molecular Genetics Laboratory, Johns Hopkins All Children's Hospital
Classification: Pathogenic for Autosomal agammaglobulinemia. Last evaluated: 2009-07-21. Review status: no assertion criteria provided. Collection method: clinical testing. Allele origin: germline. Affected: yes. Not counted in ClinVar's aggregate classification.

Literature cited by the submitters: PubMed 8695804 (cited by Labcorp Genetics (formerly Invitae), Labcorp and Women's Health and Genetics/Laboratory Corporation of America, LabCorp); PubMed 15661032 (cited by Labcorp Genetics (formerly Invitae), Labcorp); PubMed 16862044 (cited by Labcorp Genetics (formerly Invitae), Labcorp); PubMed 19419768 (cited by Labcorp Genetics (formerly Invitae), Labcorp); PubMed 19039656 (cited by Women's Health and Genetics/Laboratory Corporation of America, LabCorp); PubMed 27512878 (cited by Women's Health and Genetics/Laboratory Corporation of America, LabCorp).